The following is an entry in ClinVar:

NM_000152.5(GAA):c.1814G>T (p.Gly605Val)

Gene: GAA (alpha glucosidase; plus strand). Cytogenetic location: 17q25.3.
Variant type: single nucleotide variant.
Coding change: c.1814G>T on transcript NM_000152.5 (MANE Select); coding-DNA position 1814, G replaced by T.
Protein change: p.Gly605Val; replaces glycine 605 with valine.
Molecular consequence: missense variant.
Genome position (GRCh38, 1-based): chr17:80,112,637, G>T. VCF-style: chr17-80112637-G-T. GRCh37 (hg19) VCF-style: chr17-78086436-G-T.
Other names: c.1814G>T, p.Gly605Val (NM_001079803.3, NM_001079804.3, NM_001406741.1 and 1 more transcripts); short protein forms G605V.
Identifiers: ClinVar variation 3634757 (VCV003634757.2).

ClinVar aggregate classification (germline): Uncertain significance (1 of 4 stars; one submission).

Conditions:
Glycogen storage disease, type II (IOPD). Also called: CARDIOMEGALIA GLYCOGENICA DIFFUSA; Glycogen storage disease type 2; Acid maltase deficiency disease; Aglucosidase alfa; Deficiency of alpha-glucosidase; Deficiency of lysosomal alpha-glucosidase. Identifiers: Orphanet 365, MedGen C0017921, MONDO:0009290, OMIM 232300.

Submission:

Labcorp Genetics (formerly Invitae), Labcorp
Classification: Uncertain significance for Glycogen storage disease, type II. Last evaluated: 2024-11-10. Review status: criteria provided, single submitter. Criteria: Invitae Variant Classification Sherloc (09022015). Collection method: clinical testing. Allele origin: germline.
Comment: This sequence change replaces glycine, which is neutral and non-polar, with valine, which is neutral and non-polar, at codon 605 of the GAA protein (p.Gly605Val). This variant is not present in population databases (gnomAD no frequency). This variant has not been reported in the literature in individuals affected with GAA-related conditions. Invitae Evidence Modeling of protein sequence and biophysical properties (such as structural, functional, and spatial information, amino acid conservation, physicochemical variation, residue mobility, and thermodynamic stability) indicates that this missense variant is expected to disrupt GAA protein function with a positive predictive value of 95%. In summary, the available evidence is currently insufficient to determine the role of this variant in disease. Therefore, it has been classified as a Variant of Uncertain Significance.